The following is an entry in ClinVar:

ClinVar aggregate classification (germline): Benign/Likely benign. Review status: criteria provided, multiple submitters, no conflicts (2 of 4 stars). 6 submissions from 6 submitters: Benign (2); Likely benign (3). 1 of the submissions does not count toward it. Last evaluated 2026-02-02.

Conditions:
LAMC3-related disorder. Also called: LAMC3-related condition.

Allele frequency attached by ClinVar (database versions not stated): gnomAD exomes 0.00036 and 0.00103; ExAC 0.00120; 1000 Genomes Project 30x 0.00219; 1000 Genomes Project 0.00280; gnomAD 0.00352 and 0.00378; ESP Exome Variant Server 0.00384; TOPMed 0.00387.
gnomAD v4.1: 1,101 of 1,613,794 alleles (0.068%); highest among the groups gnomAD compares: African/African-American, 1.3%; 2 homozygotes.

Submissions (6):

Labcorp Genetics (formerly Invitae), Labcorp
Classification: Benign. Last evaluated: 2026-02-02. Review status: criteria provided, single submitter. Criteria: Invitae Variant Classification Sherloc (09022015). Collection method: clinical testing. Allele origin: germline.

CeGaT Center for Human Genetics Tuebingen
Classification: Likely benign. Last evaluated: 2024-07-01. Review status: criteria provided, single submitter. Criteria: CeGaT Center For Human Genetics Tuebingen Variant Classification Criteria Version 2. Collection method: clinical testing. Allele origin: germline. Affected: yes. Observed: 1 variant allele.
Comment: LAMC3: BP4, BS1

Blueprint Genetics
Classification: Likely benign. Last evaluated: 2024-05-21. Review status: criteria provided, single submitter. Criteria: ACMG Guidelines, 2015. Collection method: clinical testing. Allele origin: germline.

GeneDx
Classification: Benign. Last evaluated: 2021-04-30. Review status: criteria provided, single submitter. Criteria: GeneDx Variant Classification Process June 2021. Collection method: clinical testing. Allele origin: germline. Affected: yes.

Genetic Services Laboratory, University of Chicago
Classification: Likely benign. Last evaluated: 2015-07-29. Review status: criteria provided, single submitter. Criteria: ACMG Guidelines, 2015. Collection method: clinical testing. Allele origin: germline.

PreventionGenetics, part of Exact Sciences
Classification: Benign for LAMC3-related condition. Last evaluated: 2020-02-17. Review status: no assertion criteria provided. Collection method: clinical testing. Allele origin: germline. Not counted in ClinVar's aggregate classification.
Comment: This variant is classified as benign based on ACMG/AMP sequence variant interpretation guidelines (Richards et al. 2015 PMID: 25741868, with internal and published modifications).

NM_006059.4(LAMC3):c.517C>T (p.Arg173Trp)

Gene: LAMC3 (laminin subunit gamma 3; plus strand). Cytogenetic location: 9q34.12.
Variant type: single nucleotide variant.
Coding change: c.517C>T on transcript NM_006059.4 (MANE Select); coding-DNA position 517, C replaced by T.
Protein change: p.Arg173Trp; replaces arginine 173 with tryptophan.
Molecular consequence: missense variant.
Genome position (GRCh38, 1-based): chr9:131,026,428, C>T. VCF-style: chr9-131026428-C-T. GRCh37 (hg19) VCF-style: chr9-133901815-C-T.
Other names: short protein forms R173W.
Identifiers: ClinVar variation 211368 (VCV000211368.37), dbSNP rs145775274, ClinGen allele CA209191.
Genomic context (GRCh38, chr9:131,026,428, plus strand): 5'-GCCGACGGCCCATGGGAGCCCTACCAGTTCTACAGCGCCTCCTGCCAGAAGACCTACGGC[C>T]GGCCCGAGGGCCAGTACCTGCGCCCCGGCGAGGACGAGCGCGTGGCCTTCTGCACCTCTG-3'
Protein context (NP_006050.3, residues 163-183): YSASCQKTYG[Arg173Trp]PEGQYLRPGE